The following is an entry in ClinVar:

ClinVar aggregate classification (germline): Uncertain significance (1 of 4 stars; one submission).

Submission:

GeneDx
Classification: Uncertain significance. Last evaluated: 2025-03-21. Review status: criteria provided, single submitter. Criteria: GeneDx Variant Classification Process June 2021. Collection method: clinical testing. Allele origin: germline. Affected: yes.
Comment: Not observed at significant frequency in large population cohorts (gnomAD); In silico analysis indicates that this missense variant does not alter protein structure/function; Has not been previously published as pathogenic or benign to our knowledge; This variant is associated with the following publications: (PMID: 14633923)

NM_020975.6(RET):c.908T>C (p.Val303Ala)

Gene: RET (ret proto-oncogene; plus strand). Cytogenetic location: 10q11.21.
Variant type: single nucleotide variant.
Coding change: c.908T>C on transcript NM_020975.6 (MANE Select); coding-DNA position 908, T replaced by C.
Protein change: p.Val303Ala; replaces valine 303 with alanine.
Molecular consequence: missense variant. On other transcripts: intron variant (25).
Genome position (GRCh38, 1-based): chr10:43,106,416, T>C. VCF-style: chr10-43106416-T-C. GRCh37 (hg19) VCF-style: chr10-43601864-T-C.
Other names: c.146T>C, p.Val49Ala (NM_001355216.2); c.908T>C, p.Val303Ala (NM_001406743.1, NM_001406744.1, NM_001406759.1 and 4 more transcripts); c.779T>C, p.Val260Ala (NM_001406761.1, NM_001406762.1, NM_001406764.1 and 1 more transcripts); c.620T>C, p.Val207Ala (NM_001406766.1, NM_001406767.1, NM_001406770.1); c.867+1223T>C (NM_001406772.1, NM_001406769.1); c.626-2615T>C (NM_001406773.1, NM_001406771.1); c.625+3787T>C (NM_001406782.1, NM_001406780.1, NM_001406779.1 and 3 more transcripts); c.738+1223T>C (NM_001406774.1); and 5 more; short protein forms V207A, V260A, V303A, V49A.
Identifiers: ClinVar variation 4086348 (VCV004086348.1).
Genomic context (GRCh38, chr10:43,106,416, plus strand): 5'-ACGCCCTCTGCATCCTGCAGGACACCGTGGTGGCCACGCTGCGTGTCTTCGATGCAGACG[T>C]GGTACCTGCATCAGGGGAGCTGGTGAGGCGGTACACAAGCACGCTGCTCCCCGGGGACAC-3'
Protein context (NP_066124.1, residues 293-313): VATLRVFDAD[Val303Ala]VPASGELVRR